The following is an entry in ClinVar:

NM_001023.4(RPS20):c.13G>A (p.Asp5Asn)

Gene: RPS20 (ribosomal protein S20; minus strand). Cytogenetic location: 8q12.1.
Variant type: single nucleotide variant.
Coding change: c.13G>A on transcript NM_001023.4 (MANE Select); coding-DNA position 13, G replaced by A.
Protein change: p.Asp5Asn; replaces aspartic acid 5 with asparagine.
Molecular consequence: missense variant.
Genome position (GRCh38, 1-based): chr8:56,074,150, C>T on the plus strand (G>A on the coding strand, the complement: RPS20 is on the minus strand). VCF-style: chr8-56074150-C-T. GRCh37 (hg19) VCF-style: chr8-56986709-C-T.
Other names: c.13G>A, p.Asp5Asn (NM_001146227.3); short protein forms D5N.
Identifiers: ClinVar variation 4863483 (VCV004863483.1).

ClinVar aggregate classification (germline): Uncertain significance (1 of 4 stars; one submission).

Submission:

Ambry Genetics
Classification: Uncertain significance. Last evaluated: 2026-04-24. Review status: criteria provided, single submitter. Criteria: Ambry Variant Classification Scheme 2023. Collection method: clinical testing. Allele origin: germline.
Comment: The p.D5N variant (also known as c.13G>A), located in coding exon 2 of the RPS20 gene, results from a G to A substitution at nucleotide position 13. The aspartic acid at codon 5 is replaced by asparagine, an amino acid with highly similar properties. This amino acid position is highly conserved in available vertebrate species. In addition, this alteration is predicted to be tolerated by in silico analysis. Based on the available evidence, the clinical significance of this variant remains unclear.